The following is an entry in ClinVar:

ClinVar aggregate classification (germline): Uncertain significance (1 of 4 stars; one submission).

Conditions:
Neurofibromatosis, type 1 (NF1). Also called: Peripheral type neurofibromatosis; VON RECKLINGHAUSEN DISEASE; Neurofibromatosis, type I; NEUROFIBROMATOSIS, TYPE I, SOMATIC. Identifiers: Orphanet 636, MedGen C0027831, MONDO:0018975, OMIM 162200. Disease mechanism: loss of function.

gnomAD v4.1: 1 of 1,613,644 alleles (0.000062%); highest among the groups gnomAD compares: Non-Finnish European, 0.000085%; no homozygotes.

Submission:

Labcorp Genetics (formerly Invitae), Labcorp
Classification: Uncertain significance for Neurofibromatosis, type 1. Last evaluated: 2022-09-19. Review status: criteria provided, single submitter. Criteria: Invitae Variant Classification Sherloc (09022015). Collection method: clinical testing. Allele origin: germline.
Comment: In summary, the available evidence is currently insufficient to determine the role of this variant in disease. Therefore, it has been classified as a Variant of Uncertain Significance. Advanced modeling of protein sequence and biophysical properties (such as structural, functional, and spatial information, amino acid conservation, physicochemical variation, residue mobility, and thermodynamic stability) performed at Invitae indicates that this missense variant is not expected to disrupt NF1 protein function. ClinVar contains an entry for this variant (Variation ID: 841490). This variant has not been reported in the literature in individuals affected with NF1-related conditions. This variant is not present in population databases (gnomAD no frequency). This sequence change replaces alanine, which is neutral and non-polar, with glutamic acid, which is acidic and polar, at codon 2552 of the NF1 protein (p.Ala2552Glu).

NM_001042492.3(NF1):c.7718C>A (p.Ala2573Glu)

Gene: NF1 (neurofibromin 1; plus strand). Cytogenetic location: 17q11.2.
Variant type: single nucleotide variant.
Coding change: c.7718C>A on transcript NM_001042492.3 (MANE Select); coding-DNA position 7718, C replaced by A.
Protein change: p.Ala2573Glu; replaces alanine 2573 with glutamic acid.
Molecular consequence: missense variant.
Genome position (GRCh38, 1-based): chr17:31,356,562, C>A. VCF-style: chr17-31356562-C-A. GRCh37 (hg19) VCF-style: chr17-29683580-C-A.
Other names: c.7655C>A, p.Ala2552Glu (NM_000267.4); short protein forms A2573E, A2552E.
Identifiers: ClinVar variation 841490 (VCV000841490.6), dbSNP rs2070275358, ClinGen allele CA399018198.